The following is an entry in ClinVar:

NM_021096.4(CACNA1I):c.2452C>T (p.Leu818Phe)

Gene: CACNA1I (calcium voltage-gated channel subunit alpha1 I; plus strand). Cytogenetic location: 22q13.1.
Variant type: single nucleotide variant.
Coding change: c.2452C>T on transcript NM_021096.4 (MANE Select); coding-DNA position 2452, C replaced by T.
Protein change: p.Leu818Phe; replaces leucine 818 with phenylalanine.
Molecular consequence: missense variant.
Genome position (GRCh38, 1-based): chr22:39,659,700, C>T. VCF-style: chr22-39659700-C-T. GRCh37 (hg19) VCF-style: chr22-40055705-C-T.
Other names: c.2347C>T, p.Leu783Phe (NM_001003406.2); short protein forms L783F, L818F.
Identifiers: ClinVar variation 4875349 (VCV004875349.2).
Genomic context (GRCh38, chr22:39,659,700, plus strand): 5'-TGTAGAGCCTAGCCCTGGACTAGGGGTACCCCAGGGCTAACTGTGTCTCCCCAACAGATC[C>T]TCACCCAGGAGGACTGGAACGTCGTTCTCTACAATGGCATGGCCTCCACTTCTCCCTGGG-3'
Protein context (NP_066919.2, residues 808-828): LWAIVTVFQI[Leu818Phe]TQEDWNVVLY

ClinVar aggregate classification (germline): Uncertain significance (1 of 4 stars; one submission).

Submission:

CeGaT Center for Human Genetics Tuebingen
Classification: Uncertain significance. Last evaluated: 2026-06-01. Review status: criteria provided, single submitter. Criteria: CeGaT Center For Human Genetics Tuebingen Variant Classification Criteria Version 2. Collection method: clinical testing. Allele origin: germline. Affected: yes. Observed: 1 variant allele.
Comment: CACNA1I: PM2, PP2, PP3